The following is an entry in ClinVar:

ClinVar aggregate classification (germline): Likely pathogenic. Review status: reviewed by expert panel (3 of 4 stars). 3 submissions from 3 submitters: Likely pathogenic (1). 2 of the submissions do not count toward it. Last evaluated 2023-02-19.

Conditions:
Hereditary cancer-predisposing syndrome. Also called: Neoplastic Syndromes, Hereditary; Tumor predisposition; Hereditary Cancer Syndrome; Hereditary neoplastic syndrome. Identifiers: Orphanet 140162, MedGen C0027672, MeSH D009386, MONDO:0015356.
Familial adenomatous polyposis 1 (FAP1). Also called: FAMILIAL ADENOMATOUS POLYPOSIS 1, ATTENUATED; POLYPOSIS, ADENOMATOUS INTESTINAL. Identifiers: MedGen C2713442, MONDO:0021056, OMIM 175100. Disease mechanism: loss of function.

Submissions (3):

ClinGen InSiGHT Hereditary Colorectal Cancer/Polyposis Variant Curation Expert Panel
Classification: Likely pathogenic for Familial adenomatous polyposis 1. Last evaluated: 2023-02-19. Review status: reviewed by expert panel. Criteria: ClinGen InSiGHT HCCP VCEP ACMG Specifications APC V1. Collection method: curation. Allele origin: germline. Inheritance: Autosomal dominant inheritance.
Comment: The c.1626G>C variant in APC is a G to non-G change at the last nucleotide of exon 13. It is predicted to cause skipping of exon 13, resulting in an in-frame deletion of an exon with sufficient supportive clinical data (r.1549_1626del) (p.A517_Q542del) (PVS1_Strong). This prediction is confirmed by RT-PCR analysis (supplanted by PVS1_Strong; PMID 24599579). Finally, this variant is absent from gnomAD v2.1.1 (PM2_Supporting). In summary, this variant is classified as Likely Pathogenic for FAP based on the ACMG/AMP criteria applied, as specified by the ClinGen InSiGHT Hereditary Colorectal Cancer/Polyposis Variant Curation Expert Panel: PVS1_Strong, PS4_Supporting and PM2_Supporting. (VCEP specifications version 1; date of approval: 12/12/2022).

Ambry Genetics
Classification: Likely pathogenic for Hereditary cancer-predisposing syndrome. Last evaluated: 2025-04-01. Review status: criteria provided, single submitter. Criteria: Ambry Variant Classification Scheme 2023. Collection method: clinical testing. Allele origin: germline. Not counted in ClinVar's aggregate classification.
Comment: The c.1626G>C variant (also known as p.Q542H), located in coding exon 12 of the APC gene, results from a G to C substitution at nucleotide position 1626. The amino acid change results in glutamine to histidine at codon 542, an amino acid with highly similar properties. However, this change occurs in the last base pair of coding exon 12, which makes it likely to have some effect on normal mRNA splicing. This variant was reported in individual(s) with features consistent with APC-related familial adenomatous polyposis (Ambry internal data). This variant is considered to be rare based on population cohorts in the Genome Aggregation Database (gnomAD). This nucleotide position is highly conserved in available vertebrate species. In silico splice site analysis predicts that this alteration will weaken the native splice donor site. RNA studies have demonstrated that this alteration results in abnormal splicing in the set of samples tested (Grandval P et al. Hum Mutat, 2014 May;35:532-6; Ambry internal data). Based on the majority of available evidence to date, this variant is likely to be pathogenic.

Labcorp Genetics (formerly Invitae), Labcorp
Classification: Likely pathogenic for Familial adenomatous polyposis 1. Last evaluated: 2019-03-18. Review status: criteria provided, single submitter. Criteria: Invitae Variant Classification Sherloc (09022015). Collection method: clinical testing. Allele origin: germline. Not counted in ClinVar's aggregate classification.
Comment: This sequence change replaces glutamine with histidine at codon 542 of the APC protein (p.Gln542His). The glutamine residue is highly conserved and there is a small physicochemical difference between glutamine and histidine. This variant also falls at the last nucleotide of exon 13 of the APC coding sequence, which is part of the consensus splice site for this exon. This variant is not present in population databases (ExAC no frequency). This variant has been observed to segregate with clinical features of familial adenomatous polyposis (FAP) in a family (Invitae). Algorithms developed to predict the effect of missense changes on protein structure and function are either unavailable or do not agree on the potential impact of this missense change (SIFT: "Deleterious"; PolyPhen-2: "Probably Damaging"; Align-GVGD: "Class C15"). Nucleotide substitutions within the consensus splice site are a relatively common cause of aberrant splicing (PMID: 17576681, 9536098). Experimental studies have shown that this variant results in skipping of exon 13 (also known as exon 12 in the literature) (PMID: 24599579). In summary, the currently available evidence indicates that the variant is pathogenic, but additional data are needed to prove that conclusively. Therefore, this variant has been classified as Likely Pathogenic.

Literature cited by the submitters: PubMed 24599579 (cited by Ambry Genetics and Labcorp Genetics (formerly Invitae), Labcorp); PubMed 17576681 (cited by Labcorp Genetics (formerly Invitae), Labcorp); PubMed 9536098 (cited by Labcorp Genetics (formerly Invitae), Labcorp).

NM_000038.6(APC):c.1626G>C (p.Gln542His)

Gene: APC (APC regulator of Wnt signaling pathway; plus strand). Cytogenetic location: 5q22.2.
Variant type: single nucleotide variant.
Coding change: c.1626G>C on transcript NM_000038.6 (MANE Select); coding-DNA position 1626, G replaced by C.
Protein change: p.Gln542His; replaces glutamine 542 with histidine.
Molecular consequence: missense variant.
Genome position (GRCh38, 1-based): chr5:112,828,006, G>C. VCF-style: chr5-112828006-G-C. GRCh37 (hg19) VCF-style: chr5-112163703-G-C.
Other names: NM_000038.6(APC):c.1626G>C; p.Gln542His; c.1626G>C, p.Gln542His (NM_001127510.3, NM_001354895.2); c.1572G>C, p.Gln524His (NM_001127511.3); c.1680G>C, p.Gln560His (NM_001354896.2); c.1656G>C, p.Gln552His (NM_001354897.2); c.1551G>C, p.Gln517His (NM_001354898.2); c.1542G>C, p.Gln514His (NM_001354899.2); and 7 more; short protein forms Q501H, Q542H, Q382H, Q441H, Q514H, Q517H, Q552H, Q560H.
Identifiers: ClinVar variation 649594 (VCV000649594.12), dbSNP rs1580569744, ClinGen allele CA16024860.